The following is an entry in ClinVar:

NM_000530.8(MPZ):c.148T>G (p.Cys50Gly)

Gene: MPZ (myelin protein zero; minus strand). Cytogenetic location: 1q23.3.
Variant type: single nucleotide variant.
Coding change: c.148T>G on transcript NM_000530.8 (MANE Select); coding-DNA position 148, T replaced by G.
Protein change: p.Cys50Gly; replaces cysteine 50 with glycine.
Molecular consequence: missense variant.
Genome position (GRCh38, 1-based): chr1:161,307,344, A>C on the plus strand (T>G on the coding strand, the complement: MPZ is on the minus strand). VCF-style: chr1-161307344-A-C. GRCh37 (hg19) VCF-style: chr1-161277134-A-C.
Other names: c.148T>G (LRG_256t1); c.148T>G, p.Cys50Gly (NM_001315491.2); short protein forms C50G.
Identifiers: ClinVar variation 637343 (VCV000637343.3), dbSNP rs1571820143, ClinGen allele CA343351204.

ClinVar aggregate classification (germline): Likely pathogenic. Review status: criteria provided, single submitter (1 of 4 stars). 2 submissions from 2 submitters: Likely pathogenic (1). 1 of the submissions does not count toward it. Last evaluated 2024-10-27.

Conditions:
Charcot-Marie-Tooth disease, type I (CMT1). Also called: Charcot-Marie-Tooth disease type 1; Charcot-Marie-Tooth, Type 1. Identifiers: Orphanet 65753, MedGen C0751036, MONDO:0019011.
Charcot-Marie-Tooth disease. Also called: Charcot-Marie-Tooth Hereditary Neuropathy; Charcot-Marie-Tooth Neuropathy. Identifiers: Orphanet 166, MedGen C0007959, MONDO:0015626.

Submissions (2):

Labcorp Genetics (formerly Invitae), Labcorp
Classification: Likely pathogenic for Charcot-Marie-Tooth disease, type I. Last evaluated: 2024-10-27. Review status: criteria provided, single submitter. Criteria: Invitae Variant Classification Sherloc (09022015). Collection method: clinical testing. Allele origin: germline.
Comment: This sequence change replaces cysteine, which is neutral and slightly polar, with glycine, which is neutral and non-polar, at codon 50 of the MPZ protein (p.Cys50Gly). This variant is not present in population databases (gnomAD no frequency). This missense change has been observed in individuals with clinical features of Charcot-Marie-Tooth disease (PMID: 19259128, 22633464; internal data). ClinVar contains an entry for this variant (Variation ID: 637343). Invitae Evidence Modeling of protein sequence and biophysical properties (such as structural, functional, and spatial information, amino acid conservation, physicochemical variation, residue mobility, and thermodynamic stability) indicates that this missense variant is expected to disrupt MPZ protein function with a positive predictive value of 80%. This variant disrupts the p.Cys50 amino acid residue in MPZ. Other variant(s) that disrupt this residue have been observed in individuals with MPZ-related conditions (PMID: 33825325), which suggests that this may be a clinically significant amino acid residue. In summary, the currently available evidence indicates that the variant is pathogenic, but additional data are needed to prove that conclusively. Therefore, this variant has been classified as Likely Pathogenic.

Inherited Neuropathy Consortium
Classification: Uncertain significance for Charcot-Marie-Tooth disease. Review status: no assertion criteria provided. Collection method: literature only. Allele origin: germline. Affected: yes. Not counted in ClinVar's aggregate classification.

Literature cited by the submitters: PubMed 19259128 (cited by Labcorp Genetics (formerly Invitae), Labcorp and Inherited Neuropathy Consortium); PubMed 22633464 (cited by Labcorp Genetics (formerly Invitae), Labcorp); PubMed 33825325 (cited by Labcorp Genetics (formerly Invitae), Labcorp).